The following is an entry in ClinVar:

NM_004006.3(DMD):c.10915T>C (p.Ser3639Pro)

Gene: DMD (dystrophin; minus strand). Cytogenetic location: Xp21.2.
Variant type: single nucleotide variant.
Coding change: c.10915T>C on transcript NM_004006.3 (MANE Select); coding-DNA position 10915, T replaced by C.
Protein change: p.Ser3639Pro; replaces serine 3639 with proline.
Molecular consequence: missense variant.
Genome position (GRCh38, 1-based): chrX:31,146,297, A>G on the plus strand (T>C on the coding strand, the complement: DMD is on the minus strand). VCF-style: chrX-31146297-A-G. GRCh37 (hg19) VCF-style: chrX-31164414-A-G.
Other names: c.10891T>C, p.Ser3631Pro (NM_000109.4); c.10903T>C, p.Ser3635Pro (NM_004009.3); c.10546T>C, p.Ser3516Pro (NM_004010.3); c.6892T>C, p.Ser2298Pro (NM_004011.4); c.6883T>C, p.Ser2295Pro (NM_004012.4); c.3535T>C, p.Ser1179Pro (NM_004013.3, NM_004021.3); c.2728T>C, p.Ser910Pro (NM_004014.3); c.1711T>C, p.Ser571Pro (NM_004015.3, NM_004016.3); and 3 more; short protein forms S1069P, S1179P, S2295P, S3631P, S3639P, S1166P, S571P, S910P.
Identifiers: ClinVar variation 1519466 (VCV001519466.7), dbSNP rs990606875, ClinGen allele CA328402769.
Genomic context (GRCh38, chrX:31,146,297, plus strand): 5'-TACGACTCTACCTTTCTTCAGACAACAAAATCTGAGAGTAGCTAGGACACTTACCCATGG[A>G]GTCCGAAGTTTGACTGCCAACCACTCGGAGCAGCATAGGCTGACTGCTGTCGGACCTCTG-3'
Protein context (NP_003997.2, residues 3629-3649): LRVVGSQTSD[Ser3639Pro]MGEEDLLSPP

ClinVar aggregate classification (germline): Uncertain significance. Review status: criteria provided, multiple submitters, no conflicts (2 of 4 stars). 2 submissions from 2 submitters: Uncertain significance (2). Last evaluated 2025-04-17.

Conditions:
Becker muscular dystrophy (BMD). Also called: MUSCULAR DYSTROPHY, PSEUDOHYPERTROPHIC PROGRESSIVE, BECKER TYPE; Becker Muscular Dystrophy (BMD). Identifiers: Orphanet 98895, MedGen C0917713, MONDO:0010311, OMIM 300376.
Duchenne muscular dystrophy (DMD). Also called: MUSCULAR DYSTROPHY, PSEUDOHYPERTROPHIC PROGRESSIVE, DUCHENNE TYPE; Duchenne Muscular Dystrophy (DMD). Identifiers: Orphanet 98896, MedGen C0013264, MONDO:0010679, OMIM 310200.
Dilated cardiomyopathy 3B (CMD3B). Also called: CMD3B: DMD-Related Dilated Cardiomyopathy; CARDIOMYOPATHY, DILATED, X-LINKED; DMD-Associated Dilated Cardiomyopathy. Identifiers: Orphanet 154, MedGen C3668940, MONDO:0010542, OMIM 302045.

Allele frequency attached by ClinVar (database versions not stated): gnomAD exomes below 0.00001 and 0.00001; TOPMed 0.00001.
gnomAD v4.1: 1 of 1,210,935 alleles (0.000083%); highest among the groups gnomAD compares: African/African-American, 0.0017%; no homozygotes.

Submissions (2):

Labcorp Genetics (formerly Invitae), Labcorp
Classification: Uncertain significance for Duchenne muscular dystrophy. Last evaluated: 2025-04-17. Review status: criteria provided, single submitter. Criteria: Invitae Variant Classification Sherloc (09022015). Collection method: clinical testing. Allele origin: germline.
Comment: This sequence change replaces serine, which is neutral and polar, with proline, which is neutral and non-polar, at codon 3639 of the DMD protein (p.Ser3639Pro). This variant is present in population databases (no rsID available, gnomAD 0.008%). This variant has not been reported in the literature in individuals affected with DMD-related conditions. ClinVar contains an entry for this variant (Variation ID: 1519466). Invitae Evidence Modeling of protein sequence and biophysical properties (such as structural, functional, and spatial information, amino acid conservation, physicochemical variation, residue mobility, and thermodynamic stability) indicates that this missense variant is not expected to disrupt DMD protein function with a negative predictive value of 95%. In summary, the available evidence is currently insufficient to determine the role of this variant in disease. Therefore, it has been classified as a Variant of Uncertain Significance.

Fulgent Genetics
Classification: Uncertain significance for Becker muscular dystrophy; Dilated cardiomyopathy 3B; Duchenne muscular dystrophy. Last evaluated: 2021-09-20. Review status: criteria provided, single submitter. Criteria: ACMG Guidelines, 2015. Collection method: clinical testing. Allele origin: unknown.